The following is an entry in ClinVar:

ClinVar aggregate classification (germline): Benign/Likely benign. Review status: criteria provided, multiple submitters, no conflicts (2 of 4 stars). 3 submissions from 3 submitters: Benign (1); Likely benign (1). 1 of the submissions does not count toward it. Last evaluated 2025-04-01.

Conditions:
Epileptic encephalopathy. Identifiers: MedGen C0543888, HP:0200134.
RYR3-related disorder. Also called: RYR3-related condition.

Allele frequency attached by ClinVar (database versions not stated): ESP Exome Variant Server 0.00032; TOPMed 0.00042; gnomAD exomes 0.00128 and 0.00281; 1000 Genomes Project 30x 0.00172; 1000 Genomes Project 0.00220; ExAC 0.00244; gnomAD 0.00252 and 0.00253.
gnomAD v4.1: 2,232 of 1,608,642 alleles (0.14%); highest among the groups gnomAD compares: East Asian, 1.1%; 23 homozygotes.

Submissions (3):

CeGaT Center for Human Genetics Tuebingen
Classification: Likely benign. Last evaluated: 2025-04-01. Review status: criteria provided, single submitter. Criteria: CeGaT Center For Human Genetics Tuebingen Variant Classification Criteria Version 2. Collection method: clinical testing. Allele origin: germline. Affected: yes. Observed: 2 variant alleles.
Comment: RYR3: BS1

Labcorp Genetics (formerly Invitae), Labcorp
Classification: Benign for Epileptic encephalopathy. Last evaluated: 2024-10-24. Review status: criteria provided, single submitter. Criteria: Invitae Variant Classification Sherloc (09022015). Collection method: clinical testing. Allele origin: germline.

PreventionGenetics, part of Exact Sciences
Classification: Benign for RYR3-related condition. Last evaluated: 2019-10-07. Review status: no assertion criteria provided. Collection method: clinical testing. Allele origin: germline. Not counted in ClinVar's aggregate classification.
Comment: This variant is classified as benign based on ACMG/AMP sequence variant interpretation guidelines (Richards et al. 2015 PMID: 25741868, with internal and published modifications).

NM_001036.6(RYR3):c.1277A>G (p.Asn426Ser)

Gene: RYR3 (ryanodine receptor 3; plus strand). Cytogenetic location: 15q14.
Variant type: single nucleotide variant.
Coding change: c.1277A>G on transcript NM_001036.6 (MANE Select); coding-DNA position 1277, A replaced by G.
Protein change: p.Asn426Ser; replaces asparagine 426 with serine.
Molecular consequence: missense variant.
Genome position (GRCh38, 1-based): chr15:33,579,984, A>G. VCF-style: chr15-33579984-A-G. GRCh37 (hg19) VCF-style: chr15-33872185-A-G.
Other names: c.1277A>G, p.Asn426Ser (NM_001243996.4); short protein forms N426S.
Identifiers: ClinVar variation 461855 (VCV000461855.19), dbSNP rs146838868, ClinGen allele CA7458088.